The following is an entry in ClinVar:

ClinVar aggregate classification (germline): Conflicting classifications of pathogenicity. Review status: criteria provided, conflicting classifications (1 of 4 stars). 4 submissions from 4 submitters: Uncertain significance (1); Benign (3). Last evaluated 2026-02-02.

Conditions:
Inborn genetic diseases. Identifiers: MedGen C0950123, MeSH D030342.
Pseudohypoaldosteronism type 2B (PHA2B). Also called: Pseudohypoaldosteronism Type IIB. Identifiers: Orphanet 757, Orphanet 88939, MedGen C1840390, MONDO:0013777, OMIM 614491.

Allele frequency attached by ClinVar (database versions not stated): ESP Exome Variant Server 0.00015; gnomAD 0.00018 and 0.00019; gnomAD exomes 0.00025 and 0.00125; 1000 Genomes Project 30x 0.00031; 1000 Genomes Project 0.00040; TOPMed 0.00060; ExAC 0.00097.
gnomAD v4.1: 386 of 1,614,180 alleles (0.024%); highest among the groups gnomAD compares: Admixed American, 0.63%; 1 homozygote.

Submissions (4):

Labcorp Genetics (formerly Invitae), Labcorp
Classification: Benign. Last evaluated: 2026-02-02. Review status: criteria provided, single submitter. Criteria: Invitae Variant Classification Sherloc (09022015). Collection method: clinical testing. Allele origin: germline.

Ambry Genetics
Classification: Uncertain significance for Inborn genetic diseases. Last evaluated: 2024-11-11. Review status: criteria provided, single submitter. Criteria: Ambry Variant Classification Scheme 2023. Collection method: clinical testing. Allele origin: germline.

Illumina Laboratory Services, Illumina
Classification: Benign for Pseudohypoaldosteronism type 2B. Last evaluated: 2018-01-12. Review status: criteria provided, single submitter. Criteria: ICSL Variant Classification Criteria 13 December 2019. Collection method: clinical testing. Allele origin: germline.
Comment: This variant was observed in the ICSL laboratory as part of a predisposition screen in an ostensibly healthy population. It had not been previously curated by ICSL or reported in the Human Gene Mutation Database (HGMD: prior to June 1st, 2018), and was therefore a candidate for classification through an automated scoring system. Utilizing variant allele frequency, disease prevalence and penetrance estimates, and inheritance mode, an automated score was calculated to assess if this variant is too frequent to cause the disease. Based on the score and internal cut-off values, a variant classified as benign is not then subjected to further curation. The score for this variant resulted in a classification of benign for this disease.

Breakthrough Genomics
Classification: Benign. Review status: criteria provided, single submitter. Criteria: ACMG Guidelines, 2015. Collection method: not provided. Allele origin: germline. Inheritance: Autosomal dominant inheritance. Affected: yes.

NM_032387.5(WNK4):c.679G>T (p.Gly227Trp)

Gene: WNK4 (WNK lysine deficient protein kinase 4; plus strand). Cytogenetic location: 17q21.2.
Variant type: single nucleotide variant.
Coding change: c.679G>T on transcript NM_032387.5 (MANE Select); coding-DNA position 679, G replaced by T.
Protein change: p.Gly227Trp; replaces glycine 227 with tryptophan.
Molecular consequence: missense variant. On other transcripts: 5 prime UTR variant (1).
Genome position (GRCh38, 1-based): chr17:42,782,818, G>T. VCF-style: chr17-42782818-G-T. GRCh37 (hg19) VCF-style: chr17-40934836-G-T.
Other names: c.-241G>T (NM_001321299.2); short protein forms G227W.
Identifiers: ClinVar variation 323314 (VCV000323314.11), dbSNP rs140897013, ClinGen allele CA8583738.